The following is an entry in ClinVar:

ClinVar aggregate classification (germline): Pathogenic/Likely pathogenic. Review status: criteria provided, multiple submitters, no conflicts (2 of 4 stars). 4 submissions from 4 submitters: Pathogenic (1); Likely pathogenic (3). Last evaluated 2025-10-08.

Conditions:
Neonatal intrahepatic cholestasis due to citrin deficiency (CDNI). Also called: Neonatal-onset citrullinemia type II; Neonatal-onset citrullinemia type 2; CITRIN DEFICIENCY, NEONATAL OR INFANTILE ONSET; Neonatal Intrahepatic Cholestasis Caused by Citrin Deficiency (NICCD). Identifiers: Orphanet 247598, MedGen C1853942, MONDO:0011601, OMIM 605814.
Citrullinemia, type II, adult-onset (CDAA). Also called: CITRIN DEFICIENCY, ADOLESCENT OR ADULT ONSET. Identifiers: Orphanet 247585, MedGen CN295299, MONDO:0011326, OMIM 603471.
Citrullinemia type II. Also called: Citrullinemia Type II (CTLN2). Identifiers: Orphanet 247585, MedGen C1863844, MONDO:0016603.
Citrin deficiency. Identifiers: Orphanet 247582, MedGen C1997910, MONDO:0016602.
Citrullinemia. Identifiers: Orphanet 187, MedGen C0175683, MONDO:0015991.

Submissions (4):

Natera, Inc.
Classification: Likely pathogenic for Citrullinemia. Last evaluated: 2025-10-08. Review status: criteria provided, single submitter. Criteria: Natera Variant Classification Schema (03/2026). Collection method: clinical testing. Allele origin: germline.
Comment: The c.1622C>A variant in SLC25A13 is a missense variant predicted to cause substitution of alanine to aspartic acid at amino acid 541. This variant is rare in the general population with a frequency below the threshold expected for the associated phenotype(s). This variant has been observed in one or more individuals affected with the associated recessive disease, as either homozygous or compound heterozygous with a second variant (PMID: 19185551, 31450232, 35085585). Additionally, this variant has been observed to segregate in affected family members (PMID: 19185551). Computational prediction algorithms indicate this variant is likely to affect gene or protein function. Given the available evidence, this variant is classified as Likely Pathogenic.

Women's Health and Genetics/Laboratory Corporation of America, LabCorp
Classification: Likely pathogenic for Citrullinemia type II. Last evaluated: 2025-07-18. Review status: criteria provided, single submitter. Criteria: LabCorp Variant Classification Summary - May 2015. Collection method: clinical testing. Allele origin: germline.
Comment: Variant summary: SLC25A13 c.1622C>A (p.Ala541Asp) results in a non-conservative amino acid change located in the Mitochondrial carrier protein domain (IPR002067) of the encoded protein sequence. Algorithms developed to predict the effect of missense changes on protein structure and function all suggest that this variant is likely to be disruptive. The variant was absent in 251400 control chromosomes. c.1622C>A has been observed in individuals affected with Citrullinemia Type II (e.g., Lin_2016, Song_2011, Lin_2020, Song_2008, Wang_2022, Wang_2020). These data indicate that the variant is likely to be associated with disease. To our knowledge, no experimental evidence demonstrating an impact on protein function has been reported. The following publications have been ascertained in the context of this evaluation (PMID: 27405544, 21424115, 31845334, 19099775, 35085585, 31450232). ClinVar contains an entry for this variant (Variation ID: 2577099). Based on the evidence outlined above, the variant was classified as likely pathogenic.

Labcorp Genetics (formerly Invitae), Labcorp
Classification: Pathogenic for Citrin deficiency. Last evaluated: 2023-09-21. Review status: criteria provided, single submitter. Criteria: Invitae Variant Classification Sherloc (09022015). Collection method: clinical testing. Allele origin: germline.
Comment: For these reasons, this variant has been classified as Pathogenic. Advanced modeling of protein sequence and biophysical properties (such as structural, functional, and spatial information, amino acid conservation, physicochemical variation, residue mobility, and thermodynamic stability) performed at Invitae indicates that this missense variant is expected to disrupt SLC25A13 protein function. ClinVar contains an entry for this variant (Variation ID: 2577099). This missense change has been observed in individual(s) with citrin deficiency (PMID: 19099775, 19185551, 35085585). In at least one individual the data is consistent with being in trans (on the opposite chromosome) from a pathogenic variant. It has also been observed to segregate with disease in related individuals. This variant is not present in population databases (gnomAD no frequency). This sequence change replaces alanine, which is neutral and non-polar, with aspartic acid, which is acidic and polar, at codon 541 of the SLC25A13 protein (p.Ala541Asp).

Juno Genomics, Hangzhou Juno Genomics, Inc
Classification: Likely pathogenic for Citrullinemia, type II, adult-onset; Neonatal intrahepatic cholestasis due to citrin deficiency. Review status: criteria provided, single submitter. Criteria: ACMG Guidelines, 2015. Collection method: clinical testing. Allele origin: germline. Affected: yes.
Comment: Absent from controls (or at extremely low frequency if recessive) in Genome Aggregation Database.;Multiple lines of computational evidence support a deleterious effect on the gene or gene product.;For recessive disorders, detected in trans with a pathogenic variant.;Patient's phenotype or family history is highly specific for a disease with a single genetic etiology.

Literature cited by the submitters: PubMed 19185551 (cited by Natera, Inc. and Labcorp Genetics (formerly Invitae), Labcorp); PubMed 31450232 (cited by Natera, Inc. and Women's Health and Genetics/Laboratory Corporation of America, LabCorp); PubMed 35085585 (cited by 3 submitters); PubMed 27405544 (cited by Women's Health and Genetics/Laboratory Corporation of America, LabCorp); PubMed 21424115 (cited by Women's Health and Genetics/Laboratory Corporation of America, LabCorp); PubMed 31845334 (cited by Women's Health and Genetics/Laboratory Corporation of America, LabCorp); PubMed 19099775 (cited by Women's Health and Genetics/Laboratory Corporation of America, LabCorp and Labcorp Genetics (formerly Invitae), Labcorp).

NM_014251.3(SLC25A13):c.1622C>A (p.Ala541Asp)

Gene: SLC25A13 (solute carrier family 25 member 13; minus strand). Cytogenetic location: 7q21.3.
Variant type: single nucleotide variant.
Coding change: c.1622C>A on transcript NM_014251.3 (MANE Select); coding-DNA position 1622, C replaced by A.
Protein change: p.Ala541Asp; replaces alanine 541 with aspartic acid.
Molecular consequence: missense variant. On other transcripts: non-coding transcript variant (1).
Genome position (GRCh38, 1-based): chr7:96,121,967, G>T on the plus strand (C>A on the coding strand, the complement: SLC25A13 is on the minus strand). VCF-style: chr7-96121967-G-T. GRCh37 (hg19) VCF-style: chr7-95751279-G-T.
Other names: c.1625C>A, p.Ala542Asp (NM_001160210.2); short protein forms A541D, A542D.
Identifiers: ClinVar variation 2577099 (VCV002577099.7), dbSNP rs2485543716, ClinGen allele CA368258520.